The following is an entry in ClinVar:

NM_001173990.3(TMEM216):c.51C>T (p.Ser17=)

Gene: TMEM216 (transmembrane protein 216; plus strand). Cytogenetic location: 11q12.2.
Variant type: single nucleotide variant.
Coding change: c.51C>T on transcript NM_001173990.3 (MANE Select); coding-DNA position 51, C replaced by T.
Protein change: p.Ser17=; no amino-acid change (serine 17 retained).
Molecular consequence: synonymous variant. On other transcripts: 5 prime UTR variant (2).
Genome position (GRCh38, 1-based): chr11:61,393,247, C>T. VCF-style: chr11-61393247-C-T. GRCh37 (hg19) VCF-style: chr11-61160719-C-T.
Other names: c.51C>T, p.Ser17= (NM_001173991.3); c.-133C>T (NM_001330285.2, NM_016499.6); c.51C>T (NM_001173991.2).
Identifiers: ClinVar variation 697744 (VCV000697744.12), dbSNP rs548233683, ClinGen allele CA222895072.

ClinVar aggregate classification (germline): Likely benign. Review status: criteria provided, multiple submitters, no conflicts (2 of 4 stars). 2 submissions from 2 submitters: Likely benign (2). Last evaluated 2025-02-13.

Conditions:
Joubert syndrome. Also called: Familial aplasia of the vermis; JOUBERT-BOLTSHAUSER SYNDROME. Identifiers: Orphanet 475, MedGen C5979921, MONDO:0018772.
TMEM216-related disorder. Also called: TMEM216-related disorders; TMEM216-related condition.

Allele frequency attached by ClinVar (database versions not stated): gnomAD exomes 0.00001 and 0.00002; TOPMed 0.00013; 1000 Genomes Project 30x 0.00016; gnomAD 0.00016; 1000 Genomes Project 0.00020.
gnomAD v4.1: 36 of 1,535,888 alleles (0.0023%); highest among the groups gnomAD compares: African/African-American, 0.049%; no homozygotes.

Submissions (2):

PreventionGenetics, part of Exact Sciences
Classification: Likely benign for TMEM216-related condition. Last evaluated: 2025-02-13. Review status: criteria provided, single submitter. Criteria: ACMG Guidelines, 2015. Collection method: clinical testing. Allele origin: germline.
Comment: This variant is classified as likely benign based on ACMG/AMP sequence variant interpretation guidelines (Richards et al. 2015 PMID: 25741868, with internal and published modifications).

Labcorp Genetics (formerly Invitae), Labcorp
Classification: Likely benign for Joubert syndrome. Last evaluated: 2025-01-12. Review status: criteria provided, single submitter. Criteria: Invitae Variant Classification Sherloc (09022015). Collection method: clinical testing. Allele origin: germline.